The following is an entry in ClinVar:

ClinVar aggregate classification (germline): Uncertain significance. Review status: criteria provided, multiple submitters, no conflicts (2 of 4 stars). 2 submissions from 2 submitters: Uncertain significance (2). Last evaluated 2025-01-28.

Conditions:
Inborn genetic diseases. Identifiers: MedGen C0950123, MeSH D030342.

gnomAD v4.1: 1 of 1,551,722 alleles (0.000064%); highest among the groups gnomAD compares: Non-Finnish European, 0.000087%; no homozygotes.

Submissions (2):

Labcorp Genetics (formerly Invitae), Labcorp
Classification: Uncertain significance. Last evaluated: 2025-01-28. Review status: criteria provided, single submitter. Criteria: Invitae Variant Classification Sherloc (09022015). Collection method: clinical testing. Allele origin: germline.
Comment: This sequence change replaces phenylalanine, which is neutral and non-polar, with cysteine, which is neutral and slightly polar, at codon 497 of the UNC80 protein (p.Phe497Cys). This variant is not present in population databases (gnomAD no frequency). This variant has not been reported in the literature in individuals affected with UNC80-related conditions. ClinVar contains an entry for this variant (Variation ID: 3466144). An algorithm developed to predict the effect of missense changes on protein structure and function (PolyPhen-2) suggests that this variant is likely to be disruptive. In summary, the available evidence is currently insufficient to determine the role of this variant in disease. Therefore, it has been classified as a Variant of Uncertain Significance.

Ambry Genetics
Classification: Uncertain significance for Inborn genetic diseases. Last evaluated: 2024-10-25. Review status: criteria provided, single submitter. Criteria: Ambry Variant Classification Scheme 2023. Collection method: clinical testing. Allele origin: germline.

NM_001371986.1(UNC80):c.1490T>G (p.Phe497Cys)

Gene: UNC80 (unc-80 subunit of NALCN channel complex; plus strand). Cytogenetic location: 2q34.
Variant type: single nucleotide variant.
Coding change: c.1490T>G on transcript NM_001371986.1 (MANE Select); coding-DNA position 1490, T replaced by G.
Protein change: p.Phe497Cys; replaces phenylalanine 497 with cysteine.
Molecular consequence: missense variant.
Genome position (GRCh38, 1-based): chr2:209,817,063, T>G. VCF-style: chr2-209817063-T-G. GRCh37 (hg19) VCF-style: chr2-210681787-T-G.
Other names: c.1490T>G, p.Phe497Cys (NM_032504.2, NM_182587.4); short protein forms F497C.
Identifiers: ClinVar variation 3466144 (VCV003466144.3).